The following is an entry in ClinVar:

ClinVar aggregate classification (germline): Uncertain significance (1 of 4 stars; one submission).

gnomAD v4.1: 45 of 1,614,116 alleles (0.0028%); highest among the groups gnomAD compares: African/African-American, 0.011%; no homozygotes.

Submission:

Labcorp Genetics (formerly Invitae), Labcorp
Classification: Uncertain significance. Last evaluated: 2024-12-15. Review status: criteria provided, single submitter. Criteria: Invitae Variant Classification Sherloc (09022015). Collection method: clinical testing. Allele origin: germline.
Comment: This sequence change replaces proline, which is neutral and non-polar, with leucine, which is neutral and non-polar, at codon 257 of the SLC25A11 protein (p.Pro257Leu). This variant is present in population databases (rs140736160, gnomAD 0.008%). This variant has not been reported in the literature in individuals affected with SLC25A11-related conditions. Experimental studies and prediction algorithms are not available or were not evaluated, and the functional significance of this variant is currently unknown. In summary, the available evidence is currently insufficient to determine the role of this variant in disease. Therefore, it has been classified as a Variant of Uncertain Significance.

NM_003562.5(SLC25A11):c.770C>T (p.Pro257Leu)

Gene: SLC25A11 (solute carrier family 25 member 11; minus strand). Cytogenetic location: 17p13.2.
Variant type: single nucleotide variant.
Coding change: c.770C>T on transcript NM_003562.5 (MANE Select); coding-DNA position 770, C replaced by T.
Protein change: p.Pro257Leu; replaces proline 257 with leucine.
Molecular consequence: missense variant.
Genome position (GRCh38, 1-based): chr17:4,938,042, G>A on the plus strand (C>T on the coding strand, the complement: SLC25A11 is on the minus strand). VCF-style: chr17-4938042-G-A. GRCh37 (hg19) VCF-style: chr17-4841337-G-A.
Other names: c.737C>T, p.Pro246Leu (NM_001165417.2); c.617C>T, p.Pro206Leu (NM_001165418.2); short protein forms P257L, P206L, P246L.
Identifiers: ClinVar variation 3631706 (VCV003631706.2).
Genomic context (GRCh38, chr17:4,938,042, plus strand): 5'-ATCCGACACCCCCTCCCAGGCCCCCAGAATGGCTTCCTCACCAGCCCGTTCTTGTATTCC[G>A]GCTTCCCATCAATCATCCGCATGTTCTGGATTCTGCAGGAGAGGACGCAGGGGCATGAGA-3'
Protein context (NP_003553.2, residues 247-267): IQNMRMIDGK[Pro257Leu]EYKNGLDVLF